The following is an entry in ClinVar:

NM_014797.3(ZBTB24):c.85del (p.Asp29fs)

Gene: ZBTB24 (zinc finger and BTB domain containing 24; minus strand). Cytogenetic location: 6q21.
Variant type: Deletion.
Coding change: c.85del on transcript NM_014797.3 (MANE Select); coding-DNA position 85, one base deleted (G; older notation c.85delG).
Protein change: p.Asp29fs; shifts the reading frame from aspartic acid 29.
Molecular consequence: frameshift variant.
Genome position (GRCh38, 1-based): chr6:109,481,942, C deleted on the plus strand (G on the coding strand, the reverse complement: ZBTB24 is on the minus strand); the first of 2 consecutive C bases (chr6:109,481,942-109,481,943); deleting either gives the same sequence. VCF-style (leftmost placement, unchanged base first): chr6-109481941-TC-T. GRCh37 (hg19) VCF-style: chr6-109803144-TC-T.
Other names: c.85del, p.Asp29fs (NM_001164313.2); short protein forms D29fs.
Identifiers: ClinVar variation 3659582 (VCV003659582.2).

ClinVar aggregate classification (germline): Pathogenic (1 of 4 stars; one submission).

Conditions:
Immunodeficiency-centromeric instability-facial anomalies syndrome 2 (ICF2). Identifiers: Orphanet 2268, MedGen C3279748, MONDO:0013553, OMIM 614069.

Submission:

Labcorp Genetics (formerly Invitae), Labcorp
Classification: Pathogenic for Immunodeficiency-centromeric instability-facial anomalies syndrome 2. Last evaluated: 2024-07-15. Review status: criteria provided, single submitter. Criteria: Invitae Variant Classification Sherloc (09022015). Collection method: clinical testing. Allele origin: germline.
Comment: This sequence change creates a premature translational stop signal (p.Asp29Ilefs*13) in the ZBTB24 gene. It is expected to result in an absent or disrupted protein product. Loss-of-function variants in ZBTB24 are known to be pathogenic (PMID: 21596365). This variant is not present in population databases (gnomAD no frequency). This variant has not been reported in the literature in individuals affected with ZBTB24-related conditions. For these reasons, this variant has been classified as Pathogenic.

Literature cited by the submitters: PubMed 21596365.